The following is an entry in ClinVar:

NM_002317.7(LOX):c.741-2A>C

Genes: LOX (lysyl oxidase; minus strand), SRFBP1 (serum response factor binding protein 1; plus strand). Cytogenetic location: 5q23.1.
Variant type: single nucleotide variant.
Coding change: c.741-2A>C on transcript NM_002317.7 (MANE Select); the canonical splice acceptor site of the intron before coding-DNA position 741, A replaced by C.
Molecular consequence: splice acceptor variant.
Genome position (GRCh38, 1-based): chr5:122,075,543, T>G on the plus strand (A>C on the coding strand, the complement: LOX is on the minus strand). VCF-style: chr5-122075543-T-G. GRCh37 (hg19) VCF-style: chr5-121411238-T-G.
Other names: c.51-2A>C (NM_001178102.2); c.-151-2A>C (NM_001317073.1).
Identifiers: ClinVar variation 2126887 (VCV002126887.4), dbSNP rs2532911725, ClinGen allele CA360882314.
Genomic context (GRCh38, chr5:122,075,543, plus strand): 5'-GGGGAAATCTGAGCAGCACCCTGTGATCATAATCTCTGACATCTGCCCTGTATGCTGTAC[T>G]GTGATTTTGAAAAAAGAAAAATTATTATATTCATGGAATATTAACTAAAGACAAAACTAC-3'

ClinVar aggregate classification (germline): Likely pathogenic (1 of 4 stars; one submission).

Submission:

Labcorp Genetics (formerly Invitae), Labcorp
Classification: Likely pathogenic. Last evaluated: 2022-04-16. Review status: criteria provided, single submitter. Criteria: Invitae Variant Classification Sherloc (09022015). Collection method: clinical testing. Allele origin: germline.
Comment: In summary, the currently available evidence indicates that the variant is pathogenic, but additional data are needed to prove that conclusively. Therefore, this variant has been classified as Likely Pathogenic. Algorithms developed to predict the effect of sequence changes on RNA splicing suggest that this variant may disrupt the consensus splice site. This variant has not been reported in the literature in individuals affected with LOX-related conditions. This variant is not present in population databases (gnomAD no frequency). This sequence change affects an acceptor splice site in intron 2 of the LOX gene. It is expected to disrupt RNA splicing. Variants that disrupt the donor or acceptor splice site typically lead to a loss of protein function (PMID: 16199547), and loss-of-function variants in LOX are known to be pathogenic (PMID: 12417550, 26838787, 27432961).

Literature cited by the submitters: PubMed 16199547; PubMed 12417550; PubMed 26838787; PubMed 27432961.